The following is an entry in ClinVar:

NM_001005337.3(PKP1):c.*2527G>A

Gene: PKP1 (plakophilin 1; plus strand). Cytogenetic location: 1q32.1.
Variant type: single nucleotide variant.
Coding change: c.*2527G>A on transcript NM_001005337.3 (MANE Select); 2527 bases downstream of the stop codon, G replaced by A.
Molecular consequence: 3 prime UTR variant.
Genome position (GRCh38, 1-based): chr1:201,332,568, G>A. VCF-style: chr1-201332568-G-A. GRCh37 (hg19) VCF-style: chr1-201301696-G-A.
Other names: c.*2527G>A (NM_000299.4).
Identifiers: ClinVar variation 294879 (VCV000294879.6), dbSNP rs12143423, ClinGen allele CA10609404.
Genomic context (GRCh38, chr1:201,332,568, plus strand): 5'-CGTCTCAGGATTTTAAGTCCACATTGGCCTCACACTACCAGGGCCAATGCCCAAAATAAG[G>A]AGTTCCAATTTGGGGCCAAATGAGGAAGGACACAGACTCTGCCCTGGGATCTCCTGTGCT-3'

ClinVar aggregate classification (germline): Benign. Review status: criteria provided, multiple submitters, no conflicts (2 of 4 stars). 2 submissions from 2 submitters: Benign (2). Last evaluated 2018-01-13.

Conditions:
Epidermolysis bullosa simplex due to plakophilin deficiency. Also called: MCGRATH SYNDROME. Identifiers: Orphanet 158668, MedGen C1858302, MONDO:0011472, OMIM 604536.

Allele frequency attached by ClinVar (database versions not stated): gnomAD exomes 0.25000; gnomAD 0.29744 and 0.30596; 1000 Genomes Project 0.30092; TOPMed 0.30556; 1000 Genomes Project 30x 0.31027.
gnomAD v4.1: 45,162 of 152,112 alleles (30%); highest among the groups gnomAD compares: African/African-American, 57%; 9,028 homozygotes.

Submissions (2):

Illumina Laboratory Services, Illumina
Classification: Benign for Epidermolysis bullosa simplex due to plakophilin deficiency. Last evaluated: 2018-01-13. Review status: criteria provided, single submitter. Criteria: ICSL Variant Classification Criteria 13 December 2019. Collection method: clinical testing. Allele origin: germline.
Comment: This variant was observed in the ICSL laboratory as part of a predisposition screen in an ostensibly healthy population. It had not been previously curated by ICSL or reported in the Human Gene Mutation Database (HGMD: prior to June 1st, 2018), and was therefore a candidate for classification through an automated scoring system. Utilizing variant allele frequency, disease prevalence and penetrance estimates, and inheritance mode, an automated score was calculated to assess if this variant is too frequent to cause the disease. Based on the score and internal cut-off values, a variant classified as benign is not then subjected to further curation. The score for this variant resulted in a classification of benign for this disease.

Breakthrough Genomics
Classification: Benign. Review status: criteria provided, single submitter. Criteria: ACMG Guidelines, 2015. Collection method: not provided. Allele origin: germline. Inheritance: Autosomal recessive inheritance. Affected: yes.